The following is an entry in ClinVar:

NM_001243279.3(ACSF3):c.638T>C (p.Leu213Pro)

Gene: ACSF3 (acyl-CoA synthetase family member 3; plus strand). Cytogenetic location: 16q24.3.
Variant type: single nucleotide variant.
Coding change: c.638T>C on transcript NM_001243279.3 (MANE Select); coding-DNA position 638, T replaced by C.
Protein change: p.Leu213Pro; replaces leucine 213 with proline.
Molecular consequence: missense variant. On other transcripts: non-coding transcript variant (3), intron variant (1).
Genome position (GRCh38, 1-based): chr16:89,101,319, T>C. VCF-style: chr16-89101319-T-C. GRCh37 (hg19) VCF-style: chr16-89167727-T-C.
Other names: c.638T>C, p.Leu213Pro (NM_001127214.4, NM_174917.5); c.-129-1285T>C (NM_001284316.2); short protein forms L213P.
Identifiers: ClinVar variation 1951175 (VCV001951175.2), dbSNP rs997839400, ClinGen allele CA286446189.

ClinVar aggregate classification (germline): Uncertain significance (1 of 4 stars; one submission).

Conditions:
Combined malonic and methylmalonic acidemia. Identifiers: Orphanet 289504, MedGen C3280314, MONDO:0013661, OMIM 614265.

Allele frequency attached by ClinVar (database versions not stated): gnomAD exomes below 0.00001.
gnomAD v4.1: 3 of 1,595,924 alleles (0.00019%); highest among the groups gnomAD compares: Non-Finnish European, 0.00017%; no homozygotes.

Submission:

Labcorp Genetics (formerly Invitae), Labcorp
Classification: Uncertain significance for Combined malonic and methylmalonic acidemia. Last evaluated: 2022-04-06. Review status: criteria provided, single submitter. Criteria: Invitae Variant Classification Sherloc (09022015). Collection method: clinical testing. Allele origin: germline.
Comment: This sequence change replaces leucine, which is neutral and non-polar, with proline, which is neutral and non-polar, at codon 213 of the ACSF3 protein (p.Leu213Pro). This variant is not present in population databases (gnomAD no frequency). This variant has not been reported in the literature in individuals affected with ACSF3-related conditions. Advanced modeling of protein sequence and biophysical properties (such as structural, functional, and spatial information, amino acid conservation, physicochemical variation, residue mobility, and thermodynamic stability) performed at Invitae indicates that this missense variant is expected to disrupt ACSF3 protein function. In summary, the available evidence is currently insufficient to determine the role of this variant in disease. Therefore, it has been classified as a Variant of Uncertain Significance.